The following is an entry in ClinVar:

NM_144686.4(TMC4):c.1942G>A (p.Ala648Thr)

Gene: TMC4 (transmembrane channel like 4; minus strand). Cytogenetic location: 19q13.42.
Variant type: single nucleotide variant.
Coding change: c.1942G>A on transcript NM_144686.4 (MANE Select); coding-DNA position 1942, G replaced by A.
Protein change: p.Ala648Thr; replaces alanine 648 with threonine.
Molecular consequence: missense variant.
Genome position (GRCh38, 1-based): chr19:54,160,909, C>T on the plus strand (G>A on the coding strand, the complement: TMC4 is on the minus strand). VCF-style: chr19-54160909-C-T. GRCh37 (hg19) VCF-style: chr19-54664646-C-T.
Other names: c.1960G>A, p.Ala654Thr (NM_001145303.3); short protein forms A648T, A654T.
Identifiers: ClinVar variation 3054152 (VCV003054152.2), dbSNP rs780313415, ClinGen allele CA309342893.

ClinVar aggregate classification (germline): Likely benign (0 of 4 stars; one submission).

Conditions:
TMC4-related disorder. Also called: TMC4-related condition.

Allele frequency attached by ClinVar (database versions not stated): gnomAD 0.00004; TOPMed 0.00016; gnomAD exomes 0.00021; ExAC 0.00044.

Submission:

PreventionGenetics, part of Exact Sciences
Classification: Likely benign for TMC4-related condition. Last evaluated: 2023-05-04. Review status: no assertion criteria provided. Collection method: clinical testing. Allele origin: germline.
Comment: This variant is classified as likely benign based on ACMG/AMP sequence variant interpretation guidelines (Richards et al. 2015 PMID: 25741868, with internal and published modifications).